The following is an entry in ClinVar:

NC_000023.10:g.(129162837_129171341)_(129192047_?)dup

Gene: BCORL1 (BCL6 corepressor like 1; plus strand). Cytogenetic location: Xq26.1.
Variant type: Duplication.
Identifiers: ClinVar variation 3366393 (VCV003366393.2).

ClinVar aggregate classification (germline): Uncertain significance (1 of 4 stars; one submission).

Submission:

Women's Health and Genetics/Laboratory Corporation of America, LabCorp
Classification: Uncertain significance. Last evaluated: 2026-03-03. Review status: criteria provided, single submitter. Criteria: LabCorp Variant Classification Summary - May 2015. Collection method: clinical testing. Allele origin: germline.
Comment: Variant summary: The variant involves the duplication of exons 9-13 in the BCORL1 gene. A presumed nomenclature of c.(4305+1_4306-1)_(*1936_?)dup has been designated for the purposes of this classification. The exact breakpoint at the 3' end of this variant is unknown, therefore this duplication may extend downstream of the annotated region of the gene. As it duplicates the termination codon, its effect on the encoded protein is unknown. The variant was absent in ~95000 control chromosomes in the gnomAD database (Structural Variants v4.1 dataset). The available data on variant occurrences in the general population are insufficient to allow any conclusion about variant significance. To our knowledge, no occurrence of c.(4305+1_4306-1)_(*1936_?)dup in individuals affected with BCORL1-related conditions and no experimental evidence demonstrating its impact on protein function have been reported. ClinVar contains an entry for this variant (Variation ID: 3366393). Based on the evidence outlined above, the variant was classified as uncertain significance.